The following is an entry in ClinVar:

ClinVar aggregate classification (germline): Uncertain significance (1 of 4 stars; one submission).

gnomAD v4.1: 4 of 1,576,812 alleles (0.00025%); highest among the groups gnomAD compares: African/African-American, 0.0055%; no homozygotes.

Submission:

Labcorp Genetics (formerly Invitae), Labcorp
Classification: Uncertain significance. Last evaluated: 2024-02-06. Review status: criteria provided, single submitter. Criteria: Invitae Variant Classification Sherloc (09022015). Collection method: clinical testing. Allele origin: germline.
Comment: This sequence change replaces proline, which is neutral and non-polar, with leucine, which is neutral and non-polar, at codon 460 of the RELA protein (p.Pro460Leu). This variant is present in population databases (rs367873849, gnomAD 0.01%). This variant has not been reported in the literature in individuals affected with RELA-related conditions. An algorithm developed to predict the effect of missense changes on protein structure and function (PolyPhen-2) suggests that this variant is likely to be disruptive. In summary, the available evidence is currently insufficient to determine the role of this variant in disease. Therefore, it has been classified as a Variant of Uncertain Significance.

NM_021975.4(RELA):c.1379C>T (p.Pro460Leu)

Gene: RELA (RELA proto-oncogene, NF-kB subunit; minus strand). Cytogenetic location: 11q13.1.
Variant type: single nucleotide variant.
Coding change: c.1379C>T on transcript NM_021975.4 (MANE Select); coding-DNA position 1379, C replaced by T.
Protein change: p.Pro460Leu; replaces proline 460 with leucine.
Molecular consequence: missense variant. On other transcripts: intron variant (1).
Genome position (GRCh38, 1-based): chr11:65,654,655, G>A on the plus strand (C>T on the coding strand, the complement: RELA is on the minus strand). VCF-style: chr11-65654655-G-A. GRCh37 (hg19) VCF-style: chr11-65422126-G-A.
Other names: c.1370C>T, p.Pro457Leu (NM_001145138.2); c.1172C>T, p.Pro391Leu (NM_001243984.2); c.1412C>T, p.Pro471Leu (NM_001404657.1); c.1352C>T, p.Pro451Leu (NM_001404658.1); c.1166C>T, p.Pro389Leu (NM_001404659.1); c.1061C>T, p.Pro354Leu (NM_001404660.1); c.998C>T, p.Pro333Leu (NM_001404661.1); c.1286C>T, p.Pro429Leu (NM_001404662.1, NM_001404663.1); and 1 more; short protein forms P460L, P471L, P333L, P354L, P451L, P457L, P391L, P389L.
Identifiers: ClinVar variation 3694129 (VCV003694129.2).